The following is an entry in ClinVar:

ClinVar aggregate classification (germline): Likely benign (1 of 4 stars; one submission).

Allele frequency attached by ClinVar (database versions not stated): gnomAD exomes 0.00001.
gnomAD v4.1: 8 of 1,090,972 alleles (0.00073%); highest among the groups gnomAD compares: Non-Finnish European, 0.00089%; no homozygotes.

Submission:

CeGaT Center for Human Genetics Tuebingen
Classification: Likely benign. Last evaluated: 2023-02-01. Review status: criteria provided, single submitter. Criteria: CeGaT Center For Human Genetics Tuebingen Variant Classification Criteria Version 2. Collection method: clinical testing. Allele origin: germline. Affected: yes. Observed: 1 variant allele.
Comment: KCNQ1: PM2:Supporting, BP4, BP7

NM_000218.3(KCNQ1):c.9G>A (p.Ala3=)

Gene: KCNQ1 (potassium voltage-gated channel subfamily Q member 1; plus strand). Cytogenetic location: 11p15.5.
Variant type: single nucleotide variant.
Coding change: c.9G>A on transcript NM_000218.3 (MANE Select); coding-DNA position 9, G replaced by A.
Protein change: p.Ala3=; no amino-acid change (alanine 3 retained).
Molecular consequence: synonymous variant. On other transcripts: 5 prime UTR variant (1).
Genome position (GRCh38, 1-based): chr11:2,445,107, G>A. VCF-style: chr11-2445107-G-A. GRCh37 (hg19) VCF-style: chr11-2466337-G-A.
Other names: c.9G>A, p.Ala3= (NM_001406836.1, NM_001406838.1); c.-354G>A (NM_001406837.1).
Identifiers: ClinVar variation 2641362 (VCV002641362.24), dbSNP rs2496740439, ClinGen allele CA472415597.